The following is an entry in ClinVar:

NM_000093.5(COL5A1):c.214G>A (p.Asp72Asn)

Gene: COL5A1 (collagen type V alpha 1 chain; plus strand). Cytogenetic location: 9q34.3.
Variant type: single nucleotide variant.
Coding change: c.214G>A on transcript NM_000093.5 (MANE Select); coding-DNA position 214, G replaced by A.
Protein change: p.Asp72Asn; replaces aspartic acid 72 with asparagine.
Molecular consequence: missense variant.
Genome position (GRCh38, 1-based): chr9:134,691,016, G>A. VCF-style: chr9-134691016-G-A. GRCh37 (hg19) VCF-style: chr9-137582862-G-A.
Other names: c.214G>A, p.Asp72Asn (NM_001278074.1); c.214G>A (NM_000093.3); short protein forms D72N.
Identifiers: ClinVar variation 1387767 (VCV001387767.8), dbSNP rs376115028, ClinGen allele CA5318235.

ClinVar aggregate classification (germline): Uncertain significance. Review status: criteria provided, multiple submitters, no conflicts (2 of 4 stars). 3 submissions from 3 submitters: Uncertain significance (3). Last evaluated 2024-02-21.

Conditions:
Ehlers-Danlos syndrome, classic type, 1 (EDSCL1). Also called: EHLERS-DANLOS SYNDROME, GRAVIS TYPE; EHLERS-DANLOS SYNDROME, SEVERE CLASSIC TYPE; Ehlers-Danlos syndrome, type 1; Ehlers-Danlos Syndrome, Classic Type, COL5A1-Related; EDS I. Identifiers: MedGen C0268335, MONDO:0019567, OMIM 130000.

Allele frequency attached by ClinVar (database versions not stated): gnomAD exomes 0.00001; ExAC 0.00002; ESP Exome Variant Server 0.00008.
gnomAD v4.1: 7 of 1,613,802 alleles (0.00043%); highest among the groups gnomAD compares: Non-Finnish European, 0.00034%; no homozygotes.

Submissions (3):

GeneDx
Classification: Uncertain significance. Last evaluated: 2024-02-21. Review status: criteria provided, single submitter. Criteria: GeneDx Variant Classification Process June 2021. Collection method: clinical testing. Allele origin: germline. Affected: yes.
Comment: Has not been previously published as pathogenic or benign to our knowledge; Not observed at significant frequency in large population cohorts (gnomAD); In silico analysis supports that this missense variant has a deleterious effect on protein structure/function; Not located in the triple helical region, where the majority of pathogenic missense variants occur (PMID: 22696272, HGMD); This variant is associated with the following publications: (PMID: 22696272)

Clinical Genetics Laboratory, Skane University Hospital Lund
Classification: Uncertain significance. Last evaluated: 2022-05-27. Review status: criteria provided, single submitter. Criteria: ACMG Guidelines, 2015. Collection method: clinical testing. Allele origin: germline. Affected: yes.

Labcorp Genetics (formerly Invitae), Labcorp
Classification: Uncertain significance for Ehlers-Danlos syndrome, classic type, 1. Last evaluated: 2021-10-18. Review status: criteria provided, single submitter. Criteria: Invitae Variant Classification Sherloc (09022015). Collection method: clinical testing. Allele origin: germline.
Comment: In summary, the available evidence is currently insufficient to determine the role of this variant in disease. Therefore, it has been classified as a Variant of Uncertain Significance. Advanced modeling of protein sequence and biophysical properties (such as structural, functional, and spatial information, amino acid conservation, physicochemical variation, residue mobility, and thermodynamic stability) performed at Invitae indicates that this missense variant is not expected to disrupt COL5A1 protein function. This variant has not been reported in the literature in individuals affected with COL5A1-related conditions. This variant is present in population databases (rs376115028, gnomAD 0.002%). This sequence change replaces aspartic acid, a(n) acidic and polar amino acid, with asparagine, a(n) neutral and polar amino acid, at codon 72 of the COL5A1 protein (p.Asp72Asn).